The following is an entry in ClinVar:

ClinVar aggregate classification (germline): Uncertain significance. Review status: criteria provided, multiple submitters, no conflicts (2 of 4 stars). 3 submissions from 3 submitters: Uncertain significance (3). Last evaluated 2025-03-18.

Conditions:
Fanconi anemia (FA). Also called: Fanconi's anemia. Identifiers: Orphanet 84, MedGen C0015625, MeSH D005199, MONDO:0019391.
Inborn genetic diseases. Identifiers: MedGen C0950123, MeSH D030342.

Submissions (3):

Ambry Genetics
Classification: Uncertain significance for Inborn genetic diseases. Last evaluated: 2025-03-18. Review status: criteria provided, single submitter. Criteria: Ambry Variant Classification Scheme 2023. Collection method: clinical testing. Allele origin: germline.
Comment: The p.N1097H variant (also known as c.3289A>C), located in coding exon 14 of the FANCM gene, results from an A to C substitution at nucleotide position 3289. The asparagine at codon 1097 is replaced by histidine, an amino acid with similar properties. This amino acid position is conserved. In addition, this alteration is predicted to be tolerated by in silico analysis. Based on the available evidence, the clinical significance of this variant remains unclear.

Labcorp Genetics (formerly Invitae), Labcorp
Classification: Uncertain significance for Fanconi anemia. Last evaluated: 2024-10-15. Review status: criteria provided, single submitter. Criteria: Invitae Variant Classification Sherloc (09022015). Collection method: clinical testing. Allele origin: germline.
Comment: This sequence change replaces asparagine, which is neutral and polar, with histidine, which is basic and polar, at codon 1097 of the FANCM protein (p.Asn1097His). This variant is not present in population databases (gnomAD no frequency). This variant has not been reported in the literature in individuals affected with FANCM-related conditions. An algorithm developed to predict the effect of missense changes on protein structure and function (PolyPhen-2) suggests that this variant is likely to be tolerated. In summary, the available evidence is currently insufficient to determine the role of this variant in disease. Therefore, it has been classified as a Variant of Uncertain Significance.

GeneDx
Classification: Uncertain significance. Last evaluated: 2023-09-26. Review status: criteria provided, single submitter. Criteria: GeneDx Variant Classification Process June 2021. Collection method: clinical testing. Allele origin: germline. Affected: yes.
Comment: Not observed at significant frequency in large population cohorts (gnomAD); In silico analysis supports that this missense variant does not alter protein structure/function; Has not been previously published as pathogenic or benign to our knowledge

NM_020937.4(FANCM):c.3289A>C (p.Asn1097His)

Gene: FANCM (FA complementation group M; plus strand). Cytogenetic location: 14q21.2.
Variant type: single nucleotide variant.
Coding change: c.3289A>C on transcript NM_020937.4 (MANE Select); coding-DNA position 3289, A replaced by C.
Protein change: p.Asn1097His; replaces asparagine 1097 with histidine.
Molecular consequence: missense variant.
Genome position (GRCh38, 1-based): chr14:45,176,043, A>C. VCF-style: chr14-45176043-A-C. GRCh37 (hg19) VCF-style: chr14-45645246-A-C.
Other names: c.3211A>C, p.Asn1071His (NM_001308133.2); short protein forms N1071H, N1097H.
Identifiers: ClinVar variation 3342461 (VCV003342461.4).
Genomic context (GRCh38, chr14:45,176,043, plus strand): 5'-GAGCCAAGTCTCTGTGACTGTGATGTACATAAACATAATCAAAATGAAAATTTAGTACCT[A>C]ACAATCGTGTTCAAATACACAGAAGCCCTGCACAGAATTTAGTTGGAGAGAACAATCATG-3'
Protein context (NP_065988.1, residues 1087-1107): KHNQNENLVP[Asn1097His]NRVQIHRSPA